The following is an entry in ClinVar:

NM_016327.3(UPB1):c.916+6_916+181del

Gene: UPB1 (beta-ureidopropionase 1; plus strand). Cytogenetic location: 22q11.23.
Variant type: Deletion.
Coding change: c.916+6_916+181del on transcript NM_016327.3 (MANE Select); bases 6 to 181 of the intron after coding-DNA position 916, 176 bases deleted.
Molecular consequence: intron variant.
Genome position (GRCh38, 1-based): chr22:24,522,034-24,522,209, 176 bases deleted. GRCh37 (hg19): chr22:24,918,002-24,918,177.
Identifiers: ClinVar variation 2133837 (VCV002133837.4), dbSNP rs2517985710, ClinGen allele CA2580099284.

ClinVar aggregate classification (germline): Uncertain significance (1 of 4 stars; one submission).

Submission:

Labcorp Genetics (formerly Invitae), Labcorp
Classification: Uncertain significance. Last evaluated: 2022-05-20. Review status: criteria provided, single submitter. Criteria: Invitae Variant Classification Sherloc (09022015). Collection method: clinical testing. Allele origin: germline.
Comment: In summary, the available evidence is currently insufficient to determine the role of this variant in disease. Therefore, it has been classified as a Variant of Uncertain Significance. Variants that disrupt the consensus splice site are a relatively common cause of aberrant splicing (PMID: 17576681, 9536098). Algorithms developed to predict the effect of sequence changes on RNA splicing suggest that this variant is not likely to affect RNA splicing. This variant has not been reported in the literature in individuals affected with UPB1-related conditions. This variant is not present in population databases (gnomAD no frequency). This sequence change falls in intron 8 of the UPB1 gene. It does not directly change the encoded amino acid sequence of the UPB1 protein. It affects a nucleotide within the consensus splice site.

Literature cited by the submitters: PubMed 17576681; PubMed 9536098.